The following is an entry in ClinVar:

ClinVar aggregate classification (germline): Uncertain significance (1 of 4 stars; one submission).

Allele frequency attached by ClinVar (database versions not stated): gnomAD exomes below 0.00001.
gnomAD v4.1: 1 of 1,613,834 alleles (0.000062%); highest among the groups gnomAD compares: Non-Finnish European, 0.000085%; no homozygotes.

Submission:

Labcorp Genetics (formerly Invitae), Labcorp
Classification: Uncertain significance. Last evaluated: 2024-05-15. Review status: criteria provided, single submitter. Criteria: Invitae Variant Classification Sherloc (09022015). Collection method: clinical testing. Allele origin: germline.
Comment: This sequence change replaces serine, which is neutral and polar, with proline, which is neutral and non-polar, at codon 410 of the KRT1 protein (p.Ser410Pro). This variant is not present in population databases (gnomAD no frequency). This variant has not been reported in the literature in individuals affected with KRT1-related conditions. ClinVar contains an entry for this variant (Variation ID: 2032598). Advanced modeling of protein sequence and biophysical properties (such as structural, functional, and spatial information, amino acid conservation, physicochemical variation, residue mobility, and thermodynamic stability) has been performed at Invitae for this missense variant, however the output from this modeling did not meet the statistical confidence thresholds required to predict the impact of this variant on KRT1 protein function. In summary, the available evidence is currently insufficient to determine the role of this variant in disease. Therefore, it has been classified as a Variant of Uncertain Significance.

NM_006121.4(KRT1):c.1228T>C (p.Ser410Pro)

Gene: KRT1 (keratin 1; minus strand). Cytogenetic location: 12q13.13.
Variant type: single nucleotide variant.
Coding change: c.1228T>C on transcript NM_006121.4 (MANE Select); coding-DNA position 1228, T replaced by C.
Protein change: p.Ser410Pro; replaces serine 410 with proline.
Molecular consequence: missense variant.
Genome position (GRCh38, 1-based): chr12:52,677,085, A>G on the plus strand (T>C on the coding strand, the complement: KRT1 is on the minus strand). VCF-style: chr12-52677085-A-G. GRCh37 (hg19) VCF-style: chr12-53070869-A-G.
Other names: short protein forms S410P.
Identifiers: ClinVar variation 2032598 (VCV002032598.4), dbSNP rs2498633292, ClinGen allele CA384966176.